The following is an entry in ClinVar:

ClinVar aggregate classification (germline): Uncertain significance (1 of 4 stars; one submission).

Submission:

GeneDx
Classification: Uncertain significance. Last evaluated: 2025-05-07. Review status: criteria provided, single submitter. Criteria: GeneDx Variant Classification Process June 2021. Collection method: clinical testing. Allele origin: germline. Affected: yes.
Comment: In silico analysis supports that this missense variant has a deleterious effect on protein structure/function; Has not been previously published as pathogenic or benign to our knowledge

NM_001395159.1(UNC79):c.1784G>A (p.Ser595Asn)

Gene: UNC79 (unc-79 subunit of NALCN channel complex; plus strand). Cytogenetic location: 14q32.12.
Variant type: single nucleotide variant.
Coding change: c.1784G>A on transcript NM_001395159.1 (MANE Select); coding-DNA position 1784, G replaced by A.
Protein change: p.Ser595Asn; replaces serine 595 with asparagine.
Molecular consequence: missense variant.
Genome position (GRCh38, 1-based): chr14:93,571,922, G>A. VCF-style: chr14-93571922-G-A. GRCh37 (hg19) VCF-style: chr14-94038268-G-A.
Other names: c.1784G>A, p.Ser595Asn (NM_001346218.2); c.1253G>A, p.Ser418Asn (NM_020818.5); short protein forms S418N, S595N.
Identifiers: ClinVar variation 4527073 (VCV004527073.1).
Genomic context (GRCh38, chr14:93,571,922, plus strand): 5'-CTTTTCCCCTGTGGCTATGGAAACCTCTTCAGGTTGGTGGCTACTGGGATAAGTCCTGTA[G>A]CACAGTGACTCAGCTGAAGGAAGGTCTCAACCGAATCCTCTGCCTGATCCCCTATAATGT-3'
Protein context (NP_001382088.1, residues 585-605): RVGGYWDKSC[Ser595Asn]TVTQLKEGLN